The following is an entry in ClinVar:

NM_004380.3(CREBBP):c.4175G>A (p.Arg1392Gln)

Gene: CREBBP (CREB binding lysine acetyltransferase; minus strand). Cytogenetic location: 16p13.3.
Variant type: single nucleotide variant.
Coding change: c.4175G>A on transcript NM_004380.3 (MANE Select); coding-DNA position 4175, G replaced by A.
Protein change: p.Arg1392Gln; replaces arginine 1392 with glutamine.
Molecular consequence: missense variant.
Genome position (GRCh38, 1-based): chr16:3,739,683, C>T on the plus strand (G>A on the coding strand, the complement: CREBBP is on the minus strand). VCF-style: chr16-3739683-C-T. GRCh37 (hg19) VCF-style: chr16-3789684-C-T.
Other names: c.4061G>A, p.Arg1354Gln (NM_001079846.1); short protein forms R1354Q, R1392Q.
Identifiers: ClinVar variation 3900826 (VCV003900826.1).

ClinVar aggregate classification (germline): Uncertain significance (1 of 4 stars; one submission).

Submission:

GeneDx
Classification: Uncertain significance. Last evaluated: 2024-11-25. Review status: criteria provided, single submitter. Criteria: GeneDx Variant Classification Process June 2021. Collection method: clinical testing. Allele origin: germline. Affected: yes.
Comment: Not observed at significant frequency in large population cohorts (gnomAD); In silico analysis supports that this missense variant has a deleterious effect on protein structure/function; Has not been previously published as pathogenic or benign to our knowledge; This variant is associated with the following publications: (PMID: 12070251)